The following is an entry in ClinVar:

NM_015634.4(KIFBP):c.108del (p.Lys36fs)

Genes: KIFBP (kinesin family binding protein; plus strand), LOC130003959 (ATAC-STARR-seq lymphoblastoid active region 3474; plus strand). Cytogenetic location: 10q22.1.
Variant type: Deletion.
Coding change: c.108del on transcript NM_015634.4 (MANE Select); coding-DNA position 108, one base deleted (A; older notation c.108delA).
Protein change: p.Lys36fs; shifts the reading frame from lysine 36.
Molecular consequence: frameshift variant.
Genome position (GRCh38, 1-based): chr10:68,988,940, A deleted; the last of 3 consecutive A bases (chr10:68,988,938-68,988,940); deleting any one gives the same sequence. VCF-style (leftmost placement, unchanged base first): chr10-68988937-CA-C. GRCh37 (hg19) VCF-style: chr10-70748693-CA-C.
Other names: c.108delA (NM_015634.4); short protein forms K36fs.
Identifiers: ClinVar variation 2584999 (VCV002584999.1), dbSNP rs2492297177, ClinGen allele CA2582342677.
Genomic context (GRCh38, chr10:68,988,937, plus strand): 5'-GGCGCTCGCTCTGTCGCGGGTGGAACTGCATAAAAATCCGGAGAAGGAACCATACAAGTC[CA>C]AATACAGCGCCCGGGCGCTACTGGAAGAGGTCAAGGCGCTGCTCGGCCCTGCGCCTGAGG-3'

ClinVar aggregate classification (germline): Likely pathogenic (1 of 4 stars; one submission).

Conditions:
Goldberg-Shprintzen syndrome. Identifiers: Orphanet 66629, MedGen C1836123, MONDO:0012280, OMIM 609460.

Submission:

Neuberg Centre For Genomic Medicine, NCGM
Classification: Likely pathogenic for Goldberg-Shprintzen syndrome. Review status: criteria provided, single submitter. Criteria: ACMG Guidelines, 2015. Collection method: clinical testing. Allele origin: germline. Inheritance: Autosomal recessive inheritance. Affected: yes.
Comment: The frameshift deletion p.K36Nfs*57 in KIFBP gene has not been reported previously as a pathogenic variant nor as a benign variant, to our knowledge. The p.K36Nfs*57 variant is novel (not in any individuals) in gnomAD exomes and is novel (not in any individuals) in 1000 Genomes. This variant has not been reported to the ClinVar database. This variant is predicted to cause loss of normal protein function through protein truncation caused a frameshift mutation. The frameshifted sequence continues 57 residues until a stop codon is reached. Loss of function variants have been previously reported to be disease causing. For these reasons, this variant has been classified as Likely Pathogenic.